The following is an entry in ClinVar:

NM_014946.4(SPAST):c.1276C>T (p.Leu426Phe)

Gene: SPAST (spastin; plus strand). Cytogenetic location: 2p22.3.
Variant type: single nucleotide variant.
Coding change: c.1276C>T on transcript NM_014946.4 (MANE Select); coding-DNA position 1276, C replaced by T.
Protein change: p.Leu426Phe; replaces leucine 426 with phenylalanine.
Molecular consequence: missense variant.
Genome position (GRCh38, 1-based): chr2:32,136,593, C>T. VCF-style: chr2-32136593-C-T. GRCh37 (hg19) VCF-style: chr2-32361662-C-T.
Other names: c.1273C>T, p.Leu425Phe (NM_001363823.2); c.1177C>T, p.Leu393Phe (NM_001363875.2); c.1180C>T, p.Leu394Phe (NM_001377959.1, NM_199436.2); short protein forms L426F, L393F, L394F, L425F.
Identifiers: ClinVar variation 448444 (VCV000448444.19), dbSNP rs1060502227, ClinGen allele CA346502047.

ClinVar aggregate classification (germline): Pathogenic/Likely pathogenic. Review status: criteria provided, multiple submitters, no conflicts (2 of 4 stars). 7 submissions from 7 submitters: Pathogenic (6); Likely pathogenic (1). Last evaluated 2025-11-21.

Conditions:
SPAST-related disorder. Also called: SPAST-related condition.
Hereditary spastic paraplegia 4. Also called: Spastic Paraplegia 4; Familial spastic paraplegia autosomal dominant 2; Spastic paraplegia 4, autosomal dominant. Identifiers: Orphanet 100985, MedGen C1866855, MONDO:0008438, OMIM 182601.
Tip-toe gait. Also called: Toe walking. Identifiers: MedGen C0427144, HP:0030051.
Flexion contracture. Also called: Contracture; Contractures; Flexion deformity. Identifiers: MedGen C0333068, HP:0001371.
Spastic diplegia. Identifiers: MedGen C0023882, HP:0001264.
Spasticity. Identifiers: MedGen C0026838, HP:0001257.
Pes valgus. Identifiers: MedGen C1578482, HP:0008081.

Submissions (7):

Labcorp Genetics (formerly Invitae), Labcorp
Classification: Pathogenic for Hereditary spastic paraplegia 4. Last evaluated: 2025-11-21. Review status: criteria provided, single submitter. Criteria: Invitae Variant Classification Sherloc (09022015). Collection method: clinical testing. Allele origin: germline.
Comment: This sequence change replaces leucine, which is neutral and non-polar, with phenylalanine, which is neutral and non-polar, at codon 426 of the SPAST protein (p.Leu426Phe). This variant is not present in population databases (gnomAD no frequency). This missense change has been observed in individual(s) with hereditary spastic paraplegia (PMID: 20214791, 29761117, 29934652; internal data). In at least one individual the variant was observed to be de novo. It has also been observed to segregate with disease in related individuals. Invitae Evidence Modeling of clinical and family history, age, sex, and reported ancestry of multiple individuals with this SPAST variant has been performed. This variant is expected to be pathogenic with a positive predictive value of at least 99%. This is a validated machine learning model that incorporates the clinical features of 4,195 individuals referred to our laboratory for SPAST testing. ClinVar contains an entry for this variant (Variation ID: 448444). Invitae Evidence Modeling of protein sequence and biophysical properties (such as structural, functional, and spatial information, amino acid conservation, physicochemical variation, residue mobility, and thermodynamic stability) indicates that this missense variant is expected to disrupt SPAST protein function with a positive predictive value of 80%. This variant disrupts the p.Leu426 amino acid residue in SPAST. Other variant(s) that disrupt this residue have been determined to be pathogenic (PMID: 10699187, 11809724, 11843700, 15841487, 20718791, 20932283, 22960362). This suggests that this residue is clinically significant, and that variants that disrupt this residue are likely to be disease-causing. For these reasons, this variant has been classified as Pathogenic.

Baylor Genetics
Classification: Pathogenic for Hereditary spastic paraplegia 4. Last evaluated: 2023-11-30. Review status: criteria provided, single submitter. Criteria: ACMG Guidelines, 2015. Collection method: clinical testing. Allele origin: unknown.

Blueprint Genetics
Classification: Pathogenic for SPAST-related disorders. Last evaluated: 2022-11-04. Review status: criteria provided, single submitter. Criteria: ACMG Guidelines, 2015. Collection method: clinical testing. Allele origin: germline. Affected: yes. Observed: 2 variant alleles.

Dasa
Classification: Likely pathogenic for Hereditary spastic paraplegia 4. Last evaluated: 2022-03-25. Review status: criteria provided, single submitter. Criteria: ACMG Guidelines, 2015. Collection method: clinical testing. Allele origin: germline. Affected: yes. Observed: 1 variant allele.
Comment: The c.1276C>T;p.(Leu426Phe) missense change has been observed in affected individual(s) and ClinVar contains an entry for this variant (ClinVar ID: 448444; PMID: 20214791)-PS4_moderate. The variant is located in a mutational hot spot and/or critical and well-established functional domain (RuvB_N; AAA) - PM1. This variant is not present in population databases (rs1060502227- gnomAD; ABraOM no frequency.) - PM2. Pathogenic missense variant in this residue have been reported (ClinVar ID: 409031) - PM5. The variant co-segregated with disease in multiple affected family members (PMID: 20214791)PP1. Multiple lines of computational evidence support a deleterious effect on the gene or gene product - PP3. In summary, the currently available evidence indicates that the variant is likely pathogenic

Athena Diagnostics
Classification: Pathogenic. Last evaluated: 2021-09-30. Review status: criteria provided, single submitter. Criteria: Athena Diagnostics Criteria. Collection method: clinical testing. Allele origin: unknown.
Comment: This variant has not been reported in large, multi-ethnic general populations. At least one other missense variant at this codon is considered to be pathogenic or likely pathogenic, suggesting this variant may also cause disease. Computational tools predict that this variant is damaging.

Centre for Mendelian Genomics, University Medical Centre Ljubljana
Classification: Pathogenic for Flexion contracture; Spastic diplegia; Spasticity; Pes valgus; Tip-toe gait. Last evaluated: 2017-01-01. Review status: criteria provided, single submitter. Criteria: ACMG Guidelines, 2015. Collection method: clinical testing. Allele origin: unknown. Affected: yes.

Paris Brain Institute, Inserm - ICM
Classification: Pathogenic for Hereditary spastic paraplegia 4. Review status: criteria provided, single submitter. Criteria: ACMG Guidelines, 2015. Collection method: clinical testing. Allele origin: unknown. Affected: yes. Observed: 2 variant alleles.

Literature cited by the submitters: PubMed 20214791 (cited by 3 submitters); PubMed 29761117 (cited by Labcorp Genetics (formerly Invitae), Labcorp and Athena Diagnostics); PubMed 29934652 (cited by Labcorp Genetics (formerly Invitae), Labcorp); PubMed 10699187 (cited by Labcorp Genetics (formerly Invitae), Labcorp); PubMed 11809724 (cited by Labcorp Genetics (formerly Invitae), Labcorp); PubMed 11843700 (cited by Labcorp Genetics (formerly Invitae), Labcorp); PubMed 15841487 (cited by Labcorp Genetics (formerly Invitae), Labcorp); PubMed 20718791 (cited by Labcorp Genetics (formerly Invitae), Labcorp); PubMed 20932283 (cited by Labcorp Genetics (formerly Invitae), Labcorp); PubMed 22960362 (cited by Labcorp Genetics (formerly Invitae), Labcorp).